The following is an entry in ClinVar:

ClinVar aggregate classification (germline): Likely benign. Review status: criteria provided, multiple submitters, no conflicts (2 of 4 stars). 2 submissions from 2 submitters: Likely benign (2). Last evaluated 2024-04-19.

Conditions:
Hereditary cancer-predisposing syndrome. Also called: Neoplastic Syndromes, Hereditary; Tumor predisposition; Hereditary Cancer Syndrome; Hereditary neoplastic syndrome. Identifiers: Orphanet 140162, MedGen C0027672, MeSH D009386, MONDO:0015356.
Familial cancer of breast. Also called: BREAST CANCER, FAMILIAL; hereditary breast carcinoma; Hereditary breast cancer. Identifiers: Orphanet 227535, MedGen C0346153, MONDO:0016419, OMIM 114480. Disease mechanism: loss of function.

Allele frequency attached by ClinVar (database versions not stated): gnomAD exomes below 0.00001.
gnomAD v4.1: 1 of 1,407,024 alleles (0.000071%); highest among the groups gnomAD compares: Non-Finnish European, 0.000098%; no homozygotes.

Submissions (2):

Myriad Genetics, Inc.
Classification: Likely benign for Familial cancer of breast. Last evaluated: 2024-04-19. Review status: criteria provided, single submitter. Criteria: Myriad Autosomal Dominant, Autosomal Recessive and X-Linked Classification Criteria (2023). Collection method: clinical testing. Allele origin: unknown.
Comment: This variant is considered likely benign. This variant is intronic and is not expected to impact mRNA splicing.

Color Diagnostics, LLC DBA Color Health
Classification: Likely benign for Hereditary cancer-predisposing syndrome. Last evaluated: 2019-06-18. Review status: criteria provided, single submitter. Criteria: ACMG Guidelines, 2015. Collection method: clinical testing. Allele origin: germline.

NM_000051.4(ATM):c.497-20A>T

Gene: ATM (ATM serine/threonine kinase; plus strand). Cytogenetic location: 11q22.3.
Variant type: single nucleotide variant.
Coding change: c.497-20A>T on transcript NM_000051.4 (MANE Select); 20 bases into the intron before coding-DNA position 497, A replaced by T.
Molecular consequence: intron variant.
Genome position (GRCh38, 1-based): chr11:108,243,933, A>T. VCF-style: chr11-108243933-A-T. GRCh37 (hg19) VCF-style: chr11-108114660-A-T.
Other names: c.497-20A>T (NM_001351834.2).
Identifiers: ClinVar variation 924024 (VCV000924024.3), dbSNP rs2079692832, ClinGen allele CA1139662264.